The following is an entry in ClinVar:

ClinVar aggregate classification (germline): Pathogenic. Review status: criteria provided, multiple submitters, no conflicts (2 of 4 stars). 20 submissions from 20 submitters: Pathogenic (17). 3 of the submissions do not count toward it. Last evaluated 2026-01-26.

Conditions:
TCIRG1-related disorder. Also called: TCIRG1-related condition.
Autosomal recessive osteopetrosis 1. Also called: ALBERS-SCHONBERG DISEASE, AUTOSOMAL RECESSIVE; TCIRG1-Related Osteopetrosis; TCIRG1-Related Autosomal Recessive Osteopetrosis. Identifiers: Orphanet 667, MedGen C1850127, MONDO:0009815, OMIM 259700.
Osteopetrosis. Identifiers: Orphanet 2781, MedGen C0029454, MONDO:0017198, HP:0011002.

Allele frequency attached by ClinVar (database versions not stated): ExAC 0.00013; 1000 Genomes Project 30x 0.00016; gnomAD exomes 0.00016 and 0.00030; gnomAD 0.00018 and 0.00019; TOPMed 0.00018; 1000 Genomes Project 0.00020; ESP Exome Variant Server 0.00023.
gnomAD v4.1: 473 of 1,613,406 alleles (0.029%); highest among the groups gnomAD compares: Non-Finnish European, 0.038%; no homozygotes.

Submissions 1 to 14 of 21:

Labcorp Genetics (formerly Invitae), Labcorp
Classification: Pathogenic. Last evaluated: 2026-01-26. Review status: criteria provided, single submitter. Criteria: Invitae Variant Classification Sherloc (09022015). Collection method: clinical testing. Allele origin: germline.
Comment: This sequence change affects an acceptor splice site in intron 14 of the TCIRG1 gene. RNA analysis indicates that disruption of this splice site induces altered splicing and may result in an absent or altered protein product. This variant is present in population databases (rs139617644, gnomAD 0.03%). Disruption of this splice site has been observed in individuals with autosomal recessive osteopetrosis (PMID: 10888887, 15300850). This variant is also known as G10106A. ClinVar contains an entry for this variant (Variation ID: 189246). Studies have shown that disruption of this splice site results in abnormally spliced transcripts, and produces a non-functional protein and/or introduces a premature termination codon (PMID: 10888887). For these reasons, this variant has been classified as Pathogenic.

Natera, Inc.
Classification: Pathogenic for Infantile malignant osteopetrosis. Last evaluated: 2025-09-29. Review status: criteria provided, single submitter. Criteria: Natera Variant Classification Schema (03/2026). Collection method: clinical testing. Allele origin: germline.
Comment: The c.1674-1G>A variant in TCIRG1 is a canonical splice acceptor site variant predicted to affect pre-mRNA splicing, which may result in an abnormal transcript and altered protein product. This variant is expected to result in nonsense mediated decay, truncation, or a dysfunctional protein product. This variant is rare in the general population with a frequency below the threshold expected for the associated phenotype(s). This variant has been observed in one or more individuals affected with the associated recessive disease, as either homozygous or compound heterozygous with a second variant (PMID: 30898715, 31949009). Given the available evidence, this variant is classified as Pathogenic.

CeGaT Center for Human Genetics Tuebingen
Classification: Pathogenic. Last evaluated: 2025-05-01. Review status: criteria provided, single submitter. Criteria: CeGaT Center For Human Genetics Tuebingen Variant Classification Criteria Version 2. Collection method: clinical testing. Allele origin: germline. Affected: yes. Observed: 8 variant alleles.
Comment: TCIRG1: PM3:Very Strong, PVS1, PM2, PS3:Supporting

OLLIN Analises Genomicas, OLLIN
Classification: Pathogenic for Autosomal recessive osteopetrosis 1. Last evaluated: 2025-04-17. Review status: criteria provided, single submitter. Criteria: ACMG Guidelines 2015 PMID 25741868. Collection method: clinical testing. Allele origin: germline. Affected: yes. Observed: 1 variant allele.
Comment: The variant located at the canonical splicing site (splice acceptor) (chr11:68049080G>A), situated in intron 14 (of 20 exons), is reported in ClinVar (VCV000189246.71), in gnomAD v4.1 non-UKB with an allele frequency of 0.02%, and in the scientific literature in individuals with osteopetrosis (PMID: 15300850, 10888887). This variant is predicted to disrupt the canonical splice site, resulting in a truncated protein, or mRNA degradation via NMD or exon skipping. According to currently available evidence, this variant has been classified as pathogenic (PVS1, PM2_P, PM3).

Blueprint Genetics
Classification: Pathogenic for TCIRG1-related disorders. Last evaluated: 2024-11-04. Review status: criteria provided, single submitter. Criteria: ACMG Guidelines, 2015. Collection method: clinical testing. Allele origin: germline. Affected: yes. Observed: 5 variant alleles.

Baylor Genetics
Classification: Pathogenic for Autosomal recessive osteopetrosis 1. Last evaluated: 2024-03-28. Review status: criteria provided, single submitter. Criteria: ACMG Guidelines, 2015. Collection method: clinical testing. Allele origin: unknown.

GeneDx
Classification: Pathogenic. Last evaluated: 2023-07-27. Review status: criteria provided, single submitter. Criteria: GeneDx Variant Classification Process June 2021. Collection method: clinical testing. Allele origin: germline. Affected: yes.
Comment: Western blot analysis did not detect mutant protein, supporting this variant results in a null allele (Frattini et al., 2000); Canonical splice site variant predicted to result in a null allele in a gene for which loss of function is a known mechanism of disease; This variant is associated with the following publications: (PMID: 11532986, 30898715, 25525159, 10888887, 29431110, 10942435, 15300850, 31589614, 31949009, 24753205)

3billion
Classification: Pathogenic for Autosomal recessive osteopetrosis 1. Last evaluated: 2023-02-23. Review status: criteria provided, single submitter. Criteria: ACMG Guidelines, 2015. Collection method: clinical testing. Allele origin: unknown. Affected: yes.
Comment: The variant is observed at an extremely low frequency in the gnomAD v2.1.1 dataset (total allele frequency: 0.016%). This variant was predicted to alter splicing and result in a loss or disruption of normal protein function. Multiple pathogenic loss-of-function variants are reported downstream of the variant. The variant has been reported at least twice as pathogenic with clinical assertions and evidence for the classification (ClinVar ID: VCV000189246 / PMID: 10888887). Therefore, this variant is classified as Pathogenic according to the recommendation of ACMG/AMP guideline.

Fulgent Genetics
Classification: Pathogenic for Autosomal recessive osteopetrosis 1. Last evaluated: 2022-04-29. Review status: criteria provided, single submitter. Criteria: ACMG Guidelines, 2015. Collection method: clinical testing. Allele origin: unknown.

AiLife Diagnostics
Classification: Pathogenic. Last evaluated: 2022-03-17. Review status: criteria provided, single submitter. Criteria: ACMG Guidelines, 2015. Collection method: clinical testing. Allele origin: germline. Affected: yes. Observed: 1 variant allele.

Dasa
Classification: Pathogenic for Autosomal recessive osteopetrosis 1. Last evaluated: 2022-02-05. Review status: criteria provided, single submitter. Criteria: ACMG Guidelines, 2015. Collection method: clinical testing. Allele origin: germline. Affected: yes. Observed: 1 variant allele.
Comment: The c.1674-1G>A variant is located in a canonical splice-site, and it is predicted to alter gene function due to either exon skipping or nonsense-mediate decay – NMD, and the variant is present in a relevant exon to the transcript - PVS1. This sequence change has been observed in affected individual(s) and ClinVar contains an entry for this variant (ClinVar ID: 189246; PMID: 10888887; 11532986; 15300850) - PS4. The variant is present at low allele frequencies population databases (rs139617644 – gnomAD 0.001839%; ABraOM no frequency) - PM2_supporting. The c.1674-1G>A was detected in trans with a pathogenic variant (PMID: 10888887) - PM3. In summary, the currently available evidence indicates that the variant is pathogenic.

Revvity Omics, Revvity
Classification: Pathogenic for Autosomal recessive osteopetrosis 1. Last evaluated: 2022-01-21. Review status: criteria provided, single submitter. Criteria: ACMG Guidelines, 2015. Collection method: clinical testing. Allele origin: germline.

Genomics Facility, Ludwig-Maximilians-Universität München
Classification: Pathogenic for Autosomal recessive osteopetrosis 1. Last evaluated: 2021-12-28. Review status: criteria provided, single submitter. Criteria: ACMG Guidelines, 2015. Collection method: clinical testing. Allele origin: unknown. Inheritance: Autosomal recessive inheritance. Affected: yes.

Myriad Genetics, Inc.
Classification: Pathogenic for Autosomal recessive osteopetrosis 1. Last evaluated: 2021-10-01. Review status: criteria provided, single submitter. Criteria: Myriad Women's Health Autosomal Recessive and X-Linked Classification Criteria (2021). Collection method: clinical testing. Allele origin: unknown.
Comment: NM_006019.3(TCIRG1):c.1674-1G>A is a canonical splice variant classified as pathogenic in the context of autosomal recessive osteopetrosis type 1. c.1674-1G>A has been observed in cases with relevant disease (PMID: 15300850). Functional assessments of this variant are not available in the literature. c.1674-1G>A has been observed in population frequency databases (gnomAD: NFE 0.03%). In summary, NM_006019.3(TCIRG1):c.1674-1G>A is a variant in a canonical splice site in a gene where loss of function is a known mechanism of disease, is predicted to disrupt protein function, and has been observed more frequently in cases with the relevant disease than in healthy populations. ​Please note: this variant was assessed in the context of healthy population screening.

NM_006019.4(TCIRG1):c.1674-1G>A

Gene: TCIRG1 (T cell immune regulator 1, ATPase H+ transporting V0 subunit a3; plus strand). Cytogenetic location: 11q13.2.
Variant type: single nucleotide variant.
Coding change: c.1674-1G>A on transcript NM_006019.4 (MANE Select); the canonical splice acceptor site of the intron before coding-DNA position 1674, G replaced by A.
Molecular consequence: splice acceptor variant.
Genome position (GRCh38, 1-based): chr11:68,049,080, G>A. VCF-style: chr11-68049080-G-A. GRCh37 (hg19) VCF-style: chr11-67816547-G-A.
Other names: c.780-1G>A (NM_001351059.2); c.1026-1G>A (NM_006053.4).
Identifiers: ClinVar variation 189246 (VCV000189246.78), dbSNP rs139617644, ClinGen allele CA199169.